The following is an entry in ClinVar:

ClinVar aggregate classification (germline): Uncertain significance (1 of 4 stars; one submission).

Submission:

GeneDx
Classification: Uncertain significance. Last evaluated: 2024-04-10. Review status: criteria provided, single submitter. Criteria: GeneDx Variant Classification Process June 2021. Collection method: clinical testing. Allele origin: germline. Affected: yes.
Comment: Not observed at significant frequency in large population cohorts (gnomAD); In silico analysis indicates that this missense variant does not alter protein structure/function; Has not been previously published as pathogenic or benign to our knowledge

NM_019842.4(KCNQ5):c.2507T>C (p.Ile836Thr)

Gene: KCNQ5 (potassium voltage-gated channel subfamily Q member 5; plus strand). Cytogenetic location: 6q13.
Variant type: single nucleotide variant.
Coding change: c.2507T>C on transcript NM_019842.4 (MANE Select); coding-DNA position 2507, T replaced by C.
Protein change: p.Ile836Thr; replaces isoleucine 836 with threonine.
Molecular consequence: missense variant.
Genome position (GRCh38, 1-based): chr6:73,195,122, T>C. VCF-style: chr6-73195122-T-C. GRCh37 (hg19) VCF-style: chr6-73904845-T-C.
Other names: c.2480T>C, p.Ile827Thr (NM_001160130.2); c.2537T>C, p.Ile846Thr (NM_001160132.2); c.2564T>C, p.Ile855Thr (NM_001160133.2); c.2177T>C, p.Ile726Thr (NM_001160134.2); short protein forms I726T, I827T, I836T, I846T, I855T.
Identifiers: ClinVar variation 3372416 (VCV003372416.1).